The following is an entry in ClinVar:

ClinVar aggregate classification (germline): Likely pathogenic (1 of 4 stars; one submission).

Conditions:
X-linked Alport syndrome (ATS1). Also called: NEPHROPATHY AND DEAFNESS, X-LINKED; COL4A5-Related Nephropathy. Identifiers: Orphanet 63, Orphanet 88917, MedGen C4746986, MONDO:0010520, OMIM 301050.

Submission:

MVZ Medizinische Genetik Mainz
Classification: Likely pathogenic for X-linked Alport syndrome. Last evaluated: 2026-05-29. Review status: criteria provided, single submitter. Criteria: UK Practice Guidelines For Variant Classification V4 01 2020. Collection method: clinical testing. Allele origin: germline. Inheritance: X-linked dominant inheritance. Affected: yes. Observed: 1 variant allele.
Comment: ACMG Criteria: PM1_STR,PM2_SUP,PP3,PP4

NM_033380.3(COL4A5):c.1996G>A (p.Gly666Ser)

Gene: COL4A5 (collagen type IV alpha 5 chain; plus strand). Cytogenetic location: Xq22.3.
Variant type: single nucleotide variant.
Coding change: c.1996G>A on transcript NM_033380.3 (MANE Select); coding-DNA position 1996, G replaced by A.
Protein change: p.Gly666Ser; replaces glycine 666 with serine.
Molecular consequence: missense variant.
Genome position (GRCh38, 1-based): chrX:108,601,440, G>A. VCF-style: chrX-108601440-G-A. GRCh37 (hg19) VCF-style: chrX-107844670-G-A.
Other names: c.1996G>A, p.Gly666Ser (NM_000495.5); short protein forms G666S.
Identifiers: ClinVar variation 4857305 (VCV004857305.1).